The following is an entry in ClinVar:

NM_001394062.1(MACF1):c.15457G>T (p.Asp5153Tyr)

Gene: MACF1 (microtubule actin crosslinking factor 1; plus strand). Cytogenetic location: 1p34.3.
Variant type: single nucleotide variant.
Coding change: c.15457G>T on transcript NM_001394062.1 (MANE Select); coding-DNA position 15457, G replaced by T.
Protein change: p.Asp5153Tyr; replaces aspartic acid 5153 with tyrosine.
Molecular consequence: missense variant.
Genome position (GRCh38, 1-based): chr1:39,388,299, G>T. VCF-style: chr1-39388299-G-T. GRCh37 (hg19) VCF-style: chr1-39853971-G-T.
Other names: c.9271G>T, p.Asp3091Tyr (NM_012090.5); short protein forms D3091Y, D5153Y.
Identifiers: ClinVar variation 1326061 (VCV001326061.2), dbSNP rs1487476915, ClinGen allele CA339745649.

ClinVar aggregate classification (germline): Uncertain significance (1 of 4 stars; one submission).

Allele frequency attached by ClinVar (database versions not stated): gnomAD exomes below 0.00001; TOPMed below 0.00001; gnomAD 0.00001.
gnomAD v4.1: 2 of 1,614,104 alleles (0.00012%); highest among the groups gnomAD compares: African/African-American, 0.0013%; no homozygotes.

Submission:

GeneDx
Classification: Uncertain significance. Last evaluated: 2021-11-15. Review status: criteria provided, single submitter. Criteria: GeneDx Variant Classification Process June 2021. Collection method: clinical testing. Allele origin: germline. Affected: yes.
Comment: Not observed in large population cohorts (Lek et al., 2016); In silico analysis supports that this missense variant has a deleterious effect on protein structure/function; Has not been previously published as pathogenic or benign to our knowledge